The following is an entry in ClinVar:

NM_022773.4(LMF1):c.117C>A (p.Gly39=)

Genes: LMF1 (lipase maturation factor 1; minus strand), LOC130058141 (ATAC-STARR-seq lymphoblastoid silent region 6962; plus strand). Cytogenetic location: 16p13.3.
Variant type: single nucleotide variant.
Coding change: c.117C>A on transcript NM_022773.4 (MANE Select); coding-DNA position 117, C replaced by A.
Protein change: p.Gly39=; no amino-acid change (glycine 39 retained).
Molecular consequence: synonymous variant. On other transcripts: 5 prime UTR variant (1), non-coding transcript variant (1), intron variant (3).
Genome position (GRCh38, 1-based): chr16:970,864, G>T on the plus strand (C>A on the coding strand, the complement: LMF1 is on the minus strand). VCF-style: chr16-970864-G-T. GRCh37 (hg19) VCF-style: chr16-1020864-G-T.
Other names: c.117C>A, p.Gly39= (NM_001352020.1); c.-589C>A (NM_001352021.2); c.-135+10281C>A (NM_001352019.2); c.-611+10281C>A (NM_001352017.2); c.-362+10281C>A (NM_001352018.2).
Identifiers: ClinVar variation 790160 (VCV000790160.38), dbSNP rs373824481, ClinGen allele CA7797772.

ClinVar aggregate classification (germline): Benign/Likely benign. Review status: criteria provided, multiple submitters, no conflicts (2 of 4 stars). 6 submissions from 6 submitters: Benign (4); Likely benign (2). Last evaluated 2026-05-07.

Conditions:
LMF1-related disorder. Also called: LMF1-related condition.
Cardiovascular phenotype. Identifiers: MedGen CN230736.

Allele frequency attached by ClinVar (database versions not stated): gnomAD exomes 0.00034; ExAC 0.00096; 1000 Genomes Project 0.00140; 1000 Genomes Project 30x 0.00141; gnomAD 0.00178 and 0.00194; TOPMed 0.00199; ESP Exome Variant Server 0.00241.
gnomAD v4.1: 473 of 1,562,982 alleles (0.03%); highest among the groups gnomAD compares: African/African-American, 0.6%; no homozygotes.

Submissions (6):

PreventionGenetics, part of Exact Sciences
Classification: Benign for LMF1-related condition. Last evaluated: 2026-05-07. Review status: criteria provided, single submitter. Criteria: ACMG Guidelines, 2015. Collection method: clinical testing. Allele origin: germline.
Comment: This variant is classified as benign based on ACMG/AMP sequence variant interpretation guidelines (Richards et al. 2015 PMID: 25741868, with internal and published modifications).

Labcorp Genetics (formerly Invitae), Labcorp
Classification: Benign. Last evaluated: 2026-01-13. Review status: criteria provided, single submitter. Criteria: Invitae Variant Classification Sherloc (09022015). Collection method: clinical testing. Allele origin: germline.

Blueprint Genetics
Classification: Likely benign. Last evaluated: 2024-05-14. Review status: criteria provided, single submitter. Criteria: ACMG Guidelines, 2015. Collection method: clinical testing. Allele origin: germline.

CeGaT Center for Human Genetics Tuebingen
Classification: Likely benign. Last evaluated: 2023-11-01. Review status: criteria provided, single submitter. Criteria: CeGaT Center For Human Genetics Tuebingen Variant Classification Criteria Version 2. Collection method: clinical testing. Allele origin: germline. Affected: yes. Observed: 1 variant allele.
Comment: LMF1: BP4, BP7

Ambry Genetics
Classification: Benign for Cardiovascular phenotype. Last evaluated: 2019-10-07. Review status: criteria provided, single submitter. Criteria: Ambry Variant Classification Scheme 2023. Collection method: clinical testing. Allele origin: germline.

Breakthrough Genomics
Classification: Benign. Review status: criteria provided, single submitter. Criteria: ACMG Guidelines, 2015. Collection method: not provided. Allele origin: germline. Inheritance: Autosomal recessive inheritance. Affected: yes.